The following is an entry in ClinVar:

ClinVar aggregate classification (germline): Uncertain significance (1 of 4 stars; one submission).

Submission:

Labcorp Genetics (formerly Invitae), Labcorp
Classification: Uncertain significance. Last evaluated: 2025-02-03. Review status: criteria provided, single submitter. Criteria: Invitae Variant Classification Sherloc (09022015). Collection method: clinical testing. Allele origin: germline.
Comment: This variant, c.461_472del, results in the deletion of 4 amino acid(s) of the F12 protein (p.Glu154_Ala157del), but otherwise preserves the integrity of the reading frame. This variant is not present in population databases (gnomAD no frequency). This variant has not been reported in the literature in individuals affected with F12-related conditions. Experimental studies and prediction algorithms are not available or were not evaluated, and the functional significance of this variant is currently unknown. In summary, the available evidence is currently insufficient to determine the role of this variant in disease. Therefore, it has been classified as a Variant of Uncertain Significance.

NM_000505.4(F12):c.461_472del (p.Glu154_Ala157del)

Gene: F12 (coagulation factor XII; minus strand). Cytogenetic location: 5q35.3.
Variant type: Deletion.
Coding change: c.461_472del on transcript NM_000505.4 (MANE Select); coding-DNA positions 461 to 472, 12 bases deleted (AGCAAGCAGCTG).
Protein change: p.Glu154_Ala157del.
Genome position (GRCh38, 1-based): chr5:177,405,111-177,405,122, CAGCTGCTTGCT deleted on the plus strand (AGCAAGCAGCTG on the coding strand, the reverse complement: F12 is on the minus strand); deleting any 12 consecutive bases within chr5:177,405,111-177,405,125 gives the same sequence; the c. name uses the placement nearest the transcript's 3' end. VCF-style (leftmost placement, unchanged base first): chr5-177405110-ACAGCTGCTTGCT-A. GRCh37 (hg19) VCF-style: chr5-176832111-ACAGCTGCTTGCT-A.
Identifiers: ClinVar variation 4763967 (VCV004763967.1).